The following is an entry in ClinVar:

ClinVar aggregate classification (germline): Uncertain significance (1 of 4 stars; one submission).

Submission:

GeneDx
Classification: Uncertain significance. Last evaluated: 2025-06-24. Review status: criteria provided, single submitter. Criteria: GeneDx Variant Classification Process June 2021. Collection method: clinical testing. Allele origin: germline.
Comment: In silico analysis supports a deleterious effect on splicing; Has not been previously published as pathogenic or benign to our knowledge

NM_012199.5(AGO1):c.2163+5G>A

Gene: AGO1 (argonaute RISC component 1; plus strand). Cytogenetic location: 1p34.3.
Variant type: single nucleotide variant.
Coding change: c.2163+5G>A on transcript NM_012199.5 (MANE Select); 5 bases into the intron after coding-DNA position 2163, G replaced by A.
Molecular consequence: intron variant.
Genome position (GRCh38, 1-based): chr1:35,917,732, G>A. VCF-style: chr1-35917732-G-A. GRCh37 (hg19) VCF-style: chr1-36383333-G-A.
Other names: c.1938+5G>A (NM_001317123.2); c.2163+5G>A (NM_001317122.2).
Identifiers: ClinVar variation 2663492 (VCV002663492.2), dbSNP rs2523930527, ClinGen allele CA2695197997.